The following is an entry in ClinVar:

ClinVar aggregate classification (germline): Pathogenic (3 of 4 stars; one submission).

Conditions:
Breast-ovarian cancer, familial, susceptibility to, 2 (BROVCA2). Also called: BRCA2 Hereditary Breast and Ovarian Cancer. Identifiers: Orphanet 145, MedGen C2675520, MONDO:0012933, OMIM 612555. Disease mechanism: loss of function.

Submission:

Evidence-based Network for the Interpretation of Germline Mutant Alleles (ENIGMA)
Classification: Pathogenic for Breast-ovarian cancer, familial, susceptibility to, 2. Last evaluated: 2017-12-15. Review status: reviewed by expert panel. Criteria: ENIGMA BRCA1/2 Classification Criteria (2017-06-29). Collection method: curation. Allele origin: germline. Study: ENIGMA.
Comment: Variant allele predicted to encode a truncated non-functional protein.

NM_000059.4(BRCA2):c.6534_6535insA (p.Val2179fs)

Gene: BRCA2 (BRCA2 DNA repair associated; plus strand). Cytogenetic location: 13q13.1.
Variant type: Insertion.
Coding change: c.6534_6535insA on transcript NM_000059.4 (MANE Select); coding-DNA positions 6534 to 6535, A inserted.
Protein change: p.Val2179fs; shifts the reading frame from valine 2179.
Molecular consequence: frameshift variant.
Genome position: GRCh38 VCF-style: chr13-32340889-T-TA. GRCh37 (hg19) VCF-style: chr13-32915026-T-TA.
Other names: short protein forms V2179fs.
Identifiers: ClinVar variation 548341 (VCV000548341.3), dbSNP rs1555284746, ClinGen allele CA658823578.